The following is an entry in ClinVar:

ClinVar aggregate classification (germline): Uncertain significance (1 of 4 stars; one submission).

Allele frequency attached by ClinVar (database versions not stated): TOPMed below 0.00001; gnomAD exomes 0.00001.
gnomAD v4.1: 17 of 1,614,202 alleles (0.0011%); highest among the groups gnomAD compares: Middle Eastern, 0.049%; no homozygotes.

Submission:

CeGaT Center for Human Genetics Tuebingen
Classification: Uncertain significance. Last evaluated: 2024-05-01. Review status: criteria provided, single submitter. Criteria: CeGaT Center For Human Genetics Tuebingen Variant Classification Criteria Version 2. Collection method: clinical testing. Allele origin: germline. Affected: yes. Observed: 1 variant allele.
Comment: KAT5: PP2

NM_182710.3(KAT5):c.1292A>G (p.Lys431Arg)

Genes: KAT5 (lysine acetyltransferase 5; plus strand), RNASEH2C (ribonuclease H2 subunit C; minus strand). Cytogenetic location: 11q13.1.
Variant type: single nucleotide variant.
Coding change: c.1292A>G on transcript NM_182710.3 (MANE Select); coding-DNA position 1292, A replaced by G.
Protein change: p.Lys431Arg; replaces lysine 431 with arginine.
Molecular consequence: missense variant. On other transcripts: 3 prime UTR variant (1).
Genome position (GRCh38, 1-based): chr11:65,718,617, A>G. VCF-style: chr11-65718617-A-G. GRCh37 (hg19) VCF-style: chr11-65486088-A-G.
Other names: c.1136A>G, p.Lys379Arg (NM_001206833.2); c.1193A>G, p.Lys398Arg (NM_006388.4); c.1037A>G, p.Lys346Arg (NM_182709.3); c.*1166T>C (NM_032193.4); short protein forms K346R, K379R, K398R, K431R.
Identifiers: ClinVar variation 3239155 (VCV003239155.19), dbSNP rs1437079000.